The following is an entry in ClinVar:

NM_206933.4(USH2A):c.5737G>T (p.Glu1913Ter)

Genes: USH2A (usherin; minus strand), USH2A-AS2 (USH2A antisense RNA 2; plus strand). Cytogenetic location: 1q41.
Variant type: single nucleotide variant.
Coding change: c.5737G>T on transcript NM_206933.4 (MANE Select); coding-DNA position 5737, G replaced by T.
Protein change: p.Glu1913Ter; replaces glutamic acid 1913 with a stop codon.
Molecular consequence: nonsense.
Genome position (GRCh38, 1-based): chr1:216,073,136, C>A on the plus strand (G>T on the coding strand, the complement: USH2A is on the minus strand). VCF-style: chr1-216073136-C-A. GRCh37 (hg19) VCF-style: chr1-216246478-C-A.
Other names: short protein forms E1913*.
Identifiers: ClinVar variation 1071494 (VCV001071494.8), dbSNP rs762837293, ClinGen allele CA344854111.
Genomic context (GRCh38, chr1:216,073,136, plus strand): 5'-TTTAGAGGACCTCCACATTACCTGTAAAAGGCTGGAGACCACCCTCGTAAACACTCTGCT[C>A]TTTTCCCTGGTAAACCAGGATGGAGTCATTTCCCCTGCAGTTAACAGCACTGTCAGTTGA-3'

ClinVar aggregate classification (germline): Pathogenic. Review status: criteria provided, multiple submitters, no conflicts (2 of 4 stars). 3 submissions from 3 submitters: Pathogenic (3). Last evaluated 2023-11-04.

Conditions:
Usher syndrome type 2A. Also called: RETINAL DISEASE IN USHER SYNDROME TYPE IIA, MODIFIER OF; USHER SYNDROME, TYPE IIA. Identifiers: Orphanet 231178, Orphanet 886, MedGen C1848634, MONDO:0010169, OMIM 276901.

Submissions (3):

Genome-Nilou Lab
Classification: Pathogenic for Usher syndrome type 2A. Last evaluated: 2023-11-04. Review status: criteria provided, single submitter. Criteria: ACMG Guidelines, 2015. Collection method: clinical testing. Allele origin: germline. Affected: no.

Mendelics
Classification: Pathogenic for Usher syndrome type 2A. Last evaluated: 2022-05-04. Review status: criteria provided, single submitter. Criteria: Mendelics Assertion Criteria 2019. Collection method: clinical testing. Allele origin: germline.

Labcorp Genetics (formerly Invitae), Labcorp
Classification: Pathogenic. Last evaluated: 2021-04-13. Review status: criteria provided, single submitter. Criteria: Invitae Variant Classification Sherloc (09022015). Collection method: clinical testing. Allele origin: germline.
Comment: For these reasons, this variant has been classified as Pathogenic. Loss-of-function variants in USH2A are known to be pathogenic (PMID: 10729113, 10909849, 20507924, 25649381). This variant has not been reported in the literature in individuals with USH2A-related conditions. This variant is not present in population databases (ExAC no frequency). This sequence change creates a premature translational stop signal (p.Glu1913*) in the USH2A gene. It is expected to result in an absent or disrupted protein product.

Literature cited by the submitters: PubMed 10729113 (cited by Labcorp Genetics (formerly Invitae), Labcorp); PubMed 10909849 (cited by Labcorp Genetics (formerly Invitae), Labcorp); PubMed 20507924 (cited by Labcorp Genetics (formerly Invitae), Labcorp); PubMed 25649381 (cited by Labcorp Genetics (formerly Invitae), Labcorp).